The following is an entry in ClinVar:

ClinVar aggregate classification (germline): Conflicting classifications of pathogenicity. Review status: criteria provided, conflicting classifications (1 of 4 stars). 7 submissions from 7 submitters: Uncertain significance (4); Benign (2). 1 of the submissions does not count toward it. Last evaluated 2026-02-01.

Conditions:
DNAH11-related disorder. Also called: DNAH11-related condition.
Primary ciliary dyskinesia 7. Also called: CILIARY DYSKINESIA, PRIMARY, 7, WITH OR WITHOUT SITUS INVERSUS. Identifiers: Orphanet 244, MedGen C2678473, MONDO:0012748, OMIM 611884.
Primary ciliary dyskinesia. Also called: Ciliary dyskinesia. Identifiers: Orphanet 244, MedGen C0008780, MONDO:0016575, HP:0012265.

Allele frequency attached by ClinVar (database versions not stated): ESP Exome Variant Server 0.00008; 1000 Genomes Project 30x 0.00094; gnomAD 0.00021; ExAC 0.00022; gnomAD exomes 0.00022 and 0.00023; TOPMed 0.00038; 1000 Genomes Project 0.00080.
gnomAD v4.1: 396 of 1,613,982 alleles (0.025%); highest among the groups gnomAD compares: Middle Eastern, 0.53%; 2 homozygotes.

Submissions (7):

Labcorp Genetics (formerly Invitae), Labcorp
Classification: Benign for Primary ciliary dyskinesia. Last evaluated: 2026-02-01. Review status: criteria provided, single submitter. Criteria: Invitae Variant Classification Sherloc (09022015). Collection method: clinical testing. Allele origin: germline.

Blueprint Genetics
Classification: Uncertain significance. Last evaluated: 2024-11-27. Review status: criteria provided, single submitter. Criteria: ACMG Guidelines, 2015. Collection method: clinical testing. Allele origin: germline.

CeGaT Center for Human Genetics Tuebingen
Classification: Uncertain significance. Last evaluated: 2024-02-01. Review status: criteria provided, single submitter. Criteria: CeGaT Center For Human Genetics Tuebingen Variant Classification Criteria Version 2. Collection method: clinical testing. Allele origin: germline. Affected: yes. Observed: 4 variant alleles.
Comment: DNAH11: PM2:Supporting, BP4

Fulgent Genetics
Classification: Uncertain significance for Primary ciliary dyskinesia 7. Last evaluated: 2022-05-20. Review status: criteria provided, single submitter. Criteria: ACMG Guidelines, 2015. Collection method: clinical testing. Allele origin: unknown.

Ambry Genetics
Classification: Benign for Primary ciliary dyskinesia. Last evaluated: 2019-09-10. Review status: criteria provided, single submitter. Criteria: Ambry General Variant Classification Scheme_2022. Collection method: clinical testing. Allele origin: germline. Observed: 1 variant allele.

Breakthrough Genomics
Classification: Uncertain significance. Review status: criteria provided, single submitter. Criteria: ACMG Guidelines, 2015. Collection method: not provided. Allele origin: germline. Inheritance: Autosomal recessive inheritance. Affected: yes.

PreventionGenetics, part of Exact Sciences
Classification: Uncertain significance for DNAH11-related condition. Last evaluated: 2023-12-01. Review status: no assertion criteria provided. Collection method: clinical testing. Allele origin: germline. Not counted in ClinVar's aggregate classification.
Comment: The DNAH11 c.8072A>G variant is predicted to result in the amino acid substitution p.Gln2691Arg. This variant has been reported in the heterozygous state or along with a second DNAH11 variant in individuals with primary ciliary dyskinesia or chronic respiratory disease (Sherman et al. 2020. PubMed ID: 32662935; Alsamri et al. 2020. PubMed ID: 32662942; Alsamri et al. 2021. PubMed ID: 34768622; Shoemark et al. 2022. PubMed ID: 35728977). This variant is reported in 0.057% of alleles in individuals of Latino descent in gnomAD. At this time, the clinical significance of this variant is uncertain due to the absence of conclusive functional and genetic evidence.

NM_001277115.2(DNAH11):c.8072A>G (p.Gln2691Arg)

Gene: DNAH11 (dynein axonemal heavy chain 11; plus strand). Cytogenetic location: 7p15.3.
Variant type: single nucleotide variant.
Coding change: c.8072A>G on transcript NM_001277115.2 (MANE Select); coding-DNA position 8072, A replaced by G.
Protein change: p.Gln2691Arg; replaces glutamine 2691 with arginine.
Molecular consequence: missense variant.
Genome position (GRCh38, 1-based): chr7:21,742,084, A>G. VCF-style: chr7-21742084-A-G. GRCh37 (hg19) VCF-style: chr7-21781702-A-G.
Other names: c.8093A>G (NM_003777.3); short protein forms Q2691R.
Identifiers: ClinVar variation 525225 (VCV000525225.39), dbSNP rs183682756, ClinGen allele CA4181452.